The following is an entry in ClinVar:

NM_001364905.1(LRBA):c.5314T>C (p.Ser1772Pro)

Gene: LRBA (LPS responsive beige-like anchor protein; minus strand). Cytogenetic location: 4q31.3.
Variant type: single nucleotide variant.
Coding change: c.5314T>C on transcript NM_001364905.1 (MANE Select); coding-DNA position 5314, T replaced by C.
Protein change: p.Ser1772Pro; replaces serine 1772 with proline.
Molecular consequence: missense variant.
Genome position (GRCh38, 1-based): chr4:150,808,390, A>G on the plus strand (T>C on the coding strand, the complement: LRBA is on the minus strand). VCF-style: chr4-150808390-A-G. GRCh37 (hg19) VCF-style: chr4-151729542-A-G.
Other names: c.5314T>C, p.Ser1772Pro (NM_001367550.1, NM_006726.5, NM_001199282.3); short protein forms S1772P.
Identifiers: ClinVar variation 1435813 (VCV001435813.6), dbSNP rs534886197, ClinGen allele CA3102524.

ClinVar aggregate classification (germline): Uncertain significance (1 of 4 stars; one submission).

Conditions:
Combined immunodeficiency due to LRBA deficiency. Also called: Common variable immunodeficiency 8, with autoimmunity. Identifiers: Orphanet 445018, MedGen C3553512, MONDO:0013863, OMIM 614700.

Allele frequency attached by ClinVar (database versions not stated): ExAC 0.00011; 1000 Genomes Project 30x 0.00031; gnomAD 0.00002; gnomAD exomes 0.00005 and 0.00008; 1000 Genomes Project 0.00040.
gnomAD v4.1: 67 of 1,599,112 alleles (0.0042%); highest among the groups gnomAD compares: South Asian, 0.068%; no homozygotes.

Submission:

Labcorp Genetics (formerly Invitae), Labcorp
Classification: Uncertain significance for Combined immunodeficiency due to LRBA deficiency. Last evaluated: 2021-04-23. Review status: criteria provided, single submitter. Criteria: Invitae Variant Classification Sherloc (09022015). Collection method: clinical testing. Allele origin: germline.
Comment: This sequence change replaces serine with proline at codon 1772 of the LRBA protein (p.Ser1772Pro). The serine residue is weakly conserved and there is a moderate physicochemical difference between serine and proline. In summary, the available evidence is currently insufficient to determine the role of this variant in disease. Therefore, it has been classified as a Variant of Uncertain Significance. Algorithms developed to predict the effect of missense changes on protein structure and function output the following: SIFT: "Tolerated"; PolyPhen-2: "Benign"; Align-GVGD: "Class C0". The proline amino acid residue is found in multiple mammalian species, suggesting that this missense change does not adversely affect protein function. These predictions have not been confirmed by published functional studies and their clinical significance is uncertain. This variant has not been reported in the literature in individuals with LRBA-related conditions. This variant is present in population databases (rs534886197, ExAC 0.08%).